The following is an entry in ClinVar:

ClinVar aggregate classification (germline): Pathogenic (1 of 4 stars; one submission).

Submission:

Labcorp Genetics (formerly Invitae), Labcorp
Classification: Pathogenic. Last evaluated: 2020-07-01. Review status: criteria provided, single submitter. Criteria: Invitae Variant Classification Sherloc (09022015). Collection method: clinical testing. Allele origin: germline.
Comment: For these reasons, this variant has been classified as Pathogenic. Donor and acceptor splice site variants typically lead to a loss of protein function (PMID: 16199547), and loss-of-function variants in PHEX are known to be pathogenic (PMID: 9097956, 9106524, 19219621). Algorithms developed to predict the effect of sequence changes on RNA splicing suggest that this variant may disrupt the consensus splice site, but this prediction has not been confirmed by published transcriptional studies. Disruption of this splice site has been observed in individual(s) with hypophosphatemic rickets (PMID: 11502829). It has also been observed to segregate with disease in related individuals. This variant is not present in population databases (ExAC no frequency). This sequence change affects an acceptor splice site in intron 2 of the PHEX gene. It is expected to disrupt RNA splicing and likely results in an absent or disrupted protein product.

Literature cited by the submitters: PubMed 16199547; PubMed 9097956; PubMed 9106524; PubMed 19219621; PubMed 11502829.

NM_000444.6(PHEX):c.188-1G>A

Gene: PHEX (phosphate regulating endopeptidase X-linked; plus strand). Cytogenetic location: Xp22.11.
Variant type: single nucleotide variant.
Coding change: c.188-1G>A on transcript NM_000444.6 (MANE Select); the canonical splice acceptor site of the intron before coding-DNA position 188, G replaced by A.
Molecular consequence: splice acceptor variant.
Genome position (GRCh38, 1-based): chrX:22,047,049, G>A. VCF-style: chrX-22047049-G-A. GRCh37 (hg19) VCF-style: chrX-22065167-G-A.
Other names: c.188-1G>A (NM_001282754.2).
Identifiers: ClinVar variation 1074744 (VCV001074744.9), dbSNP rs1927567325, ClinGen allele CA412567479.